The following is an entry in ClinVar:

ClinVar aggregate classification (germline): Uncertain significance (1 of 4 stars; one submission).

Conditions:
Glucose-6-phosphate transport defect (GSD1B). Also called: GSD Ib; Glycogen Storage Disease Type Ib. Identifiers: Orphanet 364, Orphanet 79259, MedGen C0268146, MONDO:0009288, OMIM 232220.

Submission:

Labcorp Genetics (formerly Invitae), Labcorp
Classification: Uncertain significance for Glucose-6-phosphate transport defect. Last evaluated: 2025-11-03. Review status: criteria provided, single submitter. Criteria: Invitae Variant Classification Sherloc (09022015). Collection method: clinical testing. Allele origin: germline.
Comment: This sequence change replaces proline, which is neutral and non-polar, with alanine, which is neutral and non-polar, at codon 101 of the SLC37A4 protein (p.Pro101Ala). This variant is not present in population databases (gnomAD no frequency). This variant has not been reported in the literature in individuals affected with SLC37A4-related conditions. ClinVar contains an entry for this variant (Variation ID: 2132893). Invitae Evidence Modeling of protein sequence and biophysical properties (such as structural, functional, and spatial information, amino acid conservation, physicochemical variation, residue mobility, and thermodynamic stability) indicates that this missense variant is not expected to disrupt SLC37A4 protein function with a negative predictive value of 80%. In summary, the available evidence is currently insufficient to determine the role of this variant in disease. Therefore, it has been classified as a Variant of Uncertain Significance.

NM_001164277.2(SLC37A4):c.301C>G (p.Pro101Ala)

Gene: SLC37A4 (solute carrier family 37 member 4; minus strand). Cytogenetic location: 11q23.3.
Variant type: single nucleotide variant.
Coding change: c.301C>G on transcript NM_001164277.2 (MANE Select); coding-DNA position 301, C replaced by G.
Protein change: p.Pro101Ala; replaces proline 101 with alanine.
Molecular consequence: missense variant.
Genome position (GRCh38, 1-based): chr11:119,028,274, G>C on the plus strand (C>G on the coding strand, the complement: SLC37A4 is on the minus strand). VCF-style: chr11-119028274-G-C. GRCh37 (hg19) VCF-style: chr11-118898984-G-C.
Other names: c.301C>G, p.Pro101Ala (NM_001164278.2, NM_001164280.2, NM_001467.6); c.82C>G, p.Pro28Ala (NM_001164279.2); short protein forms P101A, P28A.
Identifiers: ClinVar variation 2132893 (VCV002132893.4), dbSNP rs1943635882, ClinGen allele CA382905016.